The following is an entry in ClinVar:

ClinVar aggregate classification (germline): Likely pathogenic. Review status: criteria provided, single submitter (1 of 4 stars). 2 submissions from 2 submitters: Likely pathogenic (1). 1 of the submissions does not count toward it. Last evaluated 2022-08-30.

Conditions:
Amyotrophic lateral sclerosis type 9 (ALS9). Identifiers: Orphanet 803, MedGen C2678468, MONDO:0012753, OMIM 611895.

Allele frequency attached by ClinVar (database versions not stated): gnomAD 0.00001; TOPMed 0.00001.
gnomAD v4.1: 29 of 1,614,068 alleles (0.0018%); highest among the groups gnomAD compares: Non-Finnish European, 0.0025%; no homozygotes.

Submissions (2):

Women's Health and Genetics/Laboratory Corporation of America, LabCorp
Classification: Likely pathogenic for Amyotrophic lateral sclerosis type 9. Last evaluated: 2022-08-30. Review status: criteria provided, single submitter. Criteria: LabCorp Variant Classification Summary - May 2015. Collection method: clinical testing. Allele origin: germline.
Comment: Variant summary: ANG c.155G>A (p.Ser52Asn) results in a conservative amino acid change located in the Ribonuclease A-domain (IPR023412) adjacent to the nuclear localization sequence (NLS) of the encoded protein. Four of five in-silico tools predict a benign effect of the variant on protein function. The variant allele was found at a frequency of 4e-06 in 251492 control chromosomes. c.155G>A has been reported in the literature in at-least one individual affected with Amyotrophic Lateral Sclerosis Type 9 who continues to be cited by others (example, Wu_2007, Narain_2019). At least one publication reports experimental evidence evaluating an impact on protein function (Wu_2007). The most pronounced variant effect results in loss of both ribonucleotytic activity and nuclear translocation activity. No clinical diagnostic laboratories have submitted clinical-significance assessments for this variant to ClinVar after 2014. Based on the evidence outlined above, the variant was classified as likely pathogenic.

OMIM
Classification: Pathogenic for AMYOTROPHIC LATERAL SCLEROSIS 9. Last evaluated: 2007-12-01. Review status: no assertion criteria provided. Collection method: literature only. Allele origin: germline. Not counted in ClinVar's aggregate classification.

Literature cited by the submitters: PubMed 31432357 (cited by Women's Health and Genetics/Laboratory Corporation of America, LabCorp); PubMed 22384259 (cited by Women's Health and Genetics/Laboratory Corporation of America, LabCorp); PubMed 17886298 (cited by Women's Health and Genetics/Laboratory Corporation of America, LabCorp and OMIM).

NM_001097577.3(ANG):c.155G>A (p.Ser52Asn)

Genes: ANG (angiogenin; plus strand), EGILA (EGFR interacting lncRNA; minus strand), RNASE4 (ribonuclease A family member 4; plus strand). Cytogenetic location: 14q11.2.
Variant type: single nucleotide variant.
Coding change: c.155G>A on transcript NM_001097577.3 (MANE Select); coding-DNA position 155, G replaced by A.
Protein change: p.Ser52Asn; replaces serine 52 with asparagine.
Molecular consequence: missense variant. On other transcripts: non-coding transcript variant (1), intron variant (4).
Genome position (GRCh38, 1-based): chr14:20,693,719, G>A. VCF-style: chr14-20693719-G-A. GRCh37 (hg19) VCF-style: chr14-21161878-G-A.
Other names: S28N; c.155G>A, p.Ser52Asn (NM_001145.4, NM_001385271.1, NM_001385272.1 and 2 more transcripts); c.-18+69G>A (NM_001282192.2); c.-17-5636G>A (NM_002937.5, NM_001282193.2); c.-18+4845G>A (NM_194431.3); short protein forms S52N.
Identifiers: ClinVar variation 18080 (VCV000018080.2), dbSNP rs121909542, ClinGen allele CA258109.